The following is an entry in ClinVar:

ClinVar aggregate classification (germline): Uncertain significance (1 of 4 stars; one submission).

Conditions:
Inborn genetic diseases. Identifiers: MedGen C0950123, MeSH D030342.

Submission:

Ambry Genetics
Classification: Uncertain significance for Inborn genetic diseases. Last evaluated: 2024-10-11. Review status: criteria provided, single submitter. Criteria: Ambry Variant Classification Scheme 2023. Collection method: clinical testing. Allele origin: germline.
Comment: The p.N1540I variant (also known as c.4619A>T), located in coding exon 32 of the LRRK2 gene, results from an A to T substitution at nucleotide position 4619. The asparagine at codon 1540 is replaced by isoleucine, an amino acid with dissimilar properties. This amino acid position is conserved. In addition, this alteration is predicted to be tolerated by in silico analysis. Based on the available evidence, the clinical significance of this variant remains unclear.

NM_198578.4(LRRK2):c.4619A>T (p.Asn1540Ile)

Gene: LRRK2 (leucine rich repeat kinase 2; plus strand). Cytogenetic location: 12q12.
Variant type: single nucleotide variant.
Coding change: c.4619A>T on transcript NM_198578.4 (MANE Select); coding-DNA position 4619, A replaced by T.
Protein change: p.Asn1540Ile; replaces asparagine 1540 with isoleucine.
Molecular consequence: missense variant.
Genome position (GRCh38, 1-based): chr12:40,314,054, A>T. VCF-style: chr12-40314054-A-T. GRCh37 (hg19) VCF-style: chr12-40707856-A-T.
Other names: short protein forms N1540I.
Identifiers: ClinVar variation 3540720 (VCV003540720.1).